The following is an entry in ClinVar:

NM_015213.4(DENND5A):c.1598T>C (p.Val533Ala)

Gene: DENND5A (DENN domain containing 5A; minus strand). Cytogenetic location: 11p15.4.
Variant type: single nucleotide variant.
Coding change: c.1598T>C on transcript NM_015213.4 (MANE Select); coding-DNA position 1598, T replaced by C.
Protein change: p.Val533Ala; replaces valine 533 with alanine.
Molecular consequence: missense variant. On other transcripts: non-coding transcript variant (1).
Genome position (GRCh38, 1-based): chr11:9,178,931, A>G on the plus strand (T>C on the coding strand, the complement: DENND5A is on the minus strand). VCF-style: chr11-9178931-A-G. GRCh37 (hg19) VCF-style: chr11-9200478-A-G.
Other names: c.1598T>C, p.Val533Ala (NM_001243254.2, NM_001348748.1); c.1526T>C, p.Val509Ala (NM_001348749.2); c.1310T>C, p.Val437Ala (NM_001348750.2); c.1598T>C (NM_015213.3); short protein forms V437A, V509A, V533A.
Identifiers: ClinVar variation 2167587 (VCV002167587.3), dbSNP rs778270159, ClinGen allele CA5877559.

ClinVar aggregate classification (germline): Uncertain significance. Review status: criteria provided, multiple submitters, no conflicts (2 of 4 stars). 2 submissions from 2 submitters: Uncertain significance (2). Last evaluated 2025-04-27.

Conditions:
Inborn genetic diseases. Identifiers: MedGen C0950123, MeSH D030342.

Allele frequency attached by ClinVar (database versions not stated): TOPMed 0.00001; ExAC 0.00002; gnomAD exomes 0.00002.
gnomAD v4.1: 32 of 1,614,096 alleles (0.002%); highest among the groups gnomAD compares: Non-Finnish European, 0.0025%; no homozygotes.

Submissions (2):

Ambry Genetics
Classification: Uncertain significance for Inborn genetic diseases. Last evaluated: 2025-04-27. Review status: criteria provided, single submitter. Criteria: Ambry Variant Classification Scheme 2023. Collection method: clinical testing. Allele origin: germline.

Labcorp Genetics (formerly Invitae), Labcorp
Classification: Uncertain significance. Last evaluated: 2025-04-01. Review status: criteria provided, single submitter. Criteria: Invitae Variant Classification Sherloc (09022015). Collection method: clinical testing. Allele origin: germline.
Comment: This sequence change replaces valine, which is neutral and non-polar, with alanine, which is neutral and non-polar, at codon 533 of the DENND5A protein (p.Val533Ala). This variant is present in population databases (rs778270159, gnomAD 0.006%). This variant has not been reported in the literature in individuals affected with DENND5A-related conditions. ClinVar contains an entry for this variant (Variation ID: 2167587). Invitae Evidence Modeling of protein sequence and biophysical properties (such as structural, functional, and spatial information, amino acid conservation, physicochemical variation, residue mobility, and thermodynamic stability) indicates that this missense variant is not expected to disrupt DENND5A protein function with a negative predictive value of 80%. In summary, the available evidence is currently insufficient to determine the role of this variant in disease. Therefore, it has been classified as a Variant of Uncertain Significance.